The following is an entry in ClinVar:

NM_000195.5(HPS1):c.1531C>T (p.Arg511Trp)

Gene: HPS1 (HPS1 biogenesis of lysosomal organelles complex 3 subunit 1; minus strand). Cytogenetic location: 10q24.2.
Variant type: single nucleotide variant.
Coding change: c.1531C>T on transcript NM_000195.5 (MANE Select); coding-DNA position 1531, C replaced by T.
Protein change: p.Arg511Trp; replaces arginine 511 with tryptophan.
Molecular consequence: missense variant.
Genome position (GRCh38, 1-based): chr10:98,423,754, G>A on the plus strand (C>T on the coding strand, the complement: HPS1 is on the minus strand). VCF-style: chr10-98423754-G-A. GRCh37 (hg19) VCF-style: chr10-100183511-G-A.
Other names: c.559C>T, p.Arg187Trp (NM_001311345.2, NM_001322487.2, NM_001322489.2); c.1531C>T, p.Arg511Trp (NM_001322476.2, NM_001322477.2); c.1432C>T, p.Arg478Trp (NM_001322478.2, NM_001322479.2); c.1270C>T, p.Arg424Trp (NM_001322480.2, NM_001322481.2); c.1171C>T, p.Arg391Trp (NM_001322482.2); c.1162C>T, p.Arg388Trp (NM_001322483.2, NM_001322484.2); c.1063C>T, p.Arg355Trp (NM_001322485.2); c.1531C>T (NM_000195.3); short protein forms R355W, R391W, R478W, R388W, R187W, R511W, R424W.
Identifiers: ClinVar variation 2156618 (VCV002156618.4), dbSNP rs147748659, ClinGen allele CA5639004.

ClinVar aggregate classification (germline): Conflicting classifications of pathogenicity. Review status: criteria provided, conflicting classifications (1 of 4 stars). 3 submissions from 3 submitters: Uncertain significance (2); Likely benign (1). Last evaluated 2025-12-14.

Conditions:
Inborn genetic diseases. Identifiers: MedGen C0950123, MeSH D030342.

Allele frequency attached by ClinVar (database versions not stated): 1000 Genomes Project 30x 0.00016; 1000 Genomes Project 0.00020.
gnomAD v4.1: 124 of 1,614,066 alleles (0.0077%); highest among the groups gnomAD compares: South Asian, 0.097%; 1 homozygote.

Submissions (3):

Labcorp Genetics (formerly Invitae), Labcorp
Classification: Likely benign. Last evaluated: 2025-12-14. Review status: criteria provided, single submitter. Criteria: Invitae Variant Classification Sherloc (09022015). Collection method: clinical testing. Allele origin: germline.

Ambry Genetics
Classification: Uncertain significance for Inborn genetic diseases. Last evaluated: 2025-09-24. Review status: criteria provided, single submitter. Criteria: Ambry Variant Classification Scheme 2023. Collection method: clinical testing. Allele origin: germline.

GeneDx
Classification: Uncertain significance. Last evaluated: 2024-11-18. Review status: criteria provided, single submitter. Criteria: GeneDx Variant Classification Process June 2021. Collection method: clinical testing. Allele origin: germline. Affected: yes.
Comment: In silico analysis supports that this missense variant has a deleterious effect on protein structure/function; Has not been previously published as pathogenic or benign to our knowledge